The following is an entry in ClinVar:

ClinVar aggregate classification (germline): Uncertain significance (1 of 4 stars; one submission).

Submission:

GeneDx
Classification: Uncertain significance. Last evaluated: 2016-05-05. Review status: criteria provided, single submitter. Criteria: GeneDx Variant Classification (06012015). Collection method: clinical testing. Allele origin: germline. Affected: yes.
Comment: The c.1589delT variant has not been published as a pathogenic variant, nor has it been reported as a benign variant to our knowledge. It was not observed in approximately 6,100 individuals of European and African American ancestry in the NHLBI Exome Sequencing Project, indicating it is not a common benign variant in these populations The c.1589delT variant in the INF2 gene causes a frameshift starting with codon Valine 530, changes this amino acid to a Glycine residue and creates a premature Stop codon at position 28 of the new reading frame, denoted p.V530GfsX28. This variant is predicted to cause loss of normal protein function either through protein truncation or nonsense-mediated mRNA decay. However, loss of function is not an established disease mechanism for the INF2 gene. Therefore, based on the currently available information, it is unclear whether this variant is a pathogenic variant or a rare benign variant.

NM_022489.4(INF2):c.1589del (p.Val530fs)

Gene: INF2 (inverted formin 2; plus strand). Cytogenetic location: 14q32.33.
Variant type: Deletion.
Coding change: c.1589del on transcript NM_022489.4 (MANE Select); coding-DNA position 1589, one base deleted (T; older notation c.1589delT).
Protein change: p.Val530fs; shifts the reading frame from valine 530.
Molecular consequence: frameshift variant.
Genome position (GRCh38, 1-based): chr14:104,707,856, T deleted. VCF-style (leftmost placement, unchanged base first): chr14-104707855-GT-G. GRCh37 (hg19) VCF-style: chr14-105174192-GT-G.
Other names: c.1589del, p.Val530fs (NM_001031714.4); short protein forms V530fs.
Identifiers: ClinVar variation 246582 (VCV000246582.2), dbSNP rs879254321, ClinGen allele CA10584485.